The following is an entry in ClinVar:

ClinVar aggregate classification (germline): Uncertain significance (1 of 4 stars; one submission).

Allele frequency attached by ClinVar (database versions not stated): gnomAD 0.00001; gnomAD exomes 0.00001; TOPMed 0.00001.
gnomAD v4.1: 6 of 1,539,536 alleles (0.00039%); highest among the groups gnomAD compares: African/African-American, 0.0014%; no homozygotes.

Submission:

Athena Diagnostics
Classification: Uncertain significance. Last evaluated: 2023-08-25. Review status: criteria provided, single submitter. Criteria: Athena Diagnostics Criteria. Collection method: clinical testing. Allele origin: unknown.
Comment: Available data are insufficient to determine the clinical significance of the variant at this time. The frequency of this variant in the general population is uninformative in assessment of its pathogenicity. Computational tools disagree on the variant's effect on normal protein function.

NM_000435.3(NOTCH3):c.6446G>A (p.Gly2149Glu)

Gene: NOTCH3 (notch receptor 3; minus strand). Cytogenetic location: 19p13.12.
Variant type: single nucleotide variant.
Coding change: c.6446G>A on transcript NM_000435.3 (MANE Select); coding-DNA position 6446, G replaced by A.
Protein change: p.Gly2149Glu; replaces glycine 2149 with glutamic acid.
Molecular consequence: missense variant.
Genome position (GRCh38, 1-based): chr19:15,161,182, C>T on the plus strand (G>A on the coding strand, the complement: NOTCH3 is on the minus strand). VCF-style: chr19-15161182-C-T. GRCh37 (hg19) VCF-style: chr19-15271993-C-T.
Other names: short protein forms G2149E.
Identifiers: ClinVar variation 2684145 (VCV002684145.1), dbSNP rs1037498650, ClinGen allele CA305758208.